The following is an entry in ClinVar:

ClinVar aggregate classification (germline): Likely benign (1 of 4 stars; one submission).

Submission:

CeGaT Center for Human Genetics Tuebingen
Classification: Likely benign. Last evaluated: 2024-06-01. Review status: criteria provided, single submitter. Criteria: CeGaT Center For Human Genetics Tuebingen Variant Classification Criteria Version 2. Collection method: clinical testing. Allele origin: germline. Affected: yes. Observed: 1 variant allele.
Comment: NOTCH1: PM2:Supporting, BP4, BP7

NM_017617.5(NOTCH1):c.732C>A (p.Ala244=)

Gene: NOTCH1 (notch receptor 1; minus strand). Cytogenetic location: 9q34.3.
Variant type: single nucleotide variant.
Coding change: c.732C>A on transcript NM_017617.5 (MANE Select); coding-DNA position 732, C replaced by A.
Protein change: p.Ala244=; no amino-acid change (alanine 244 retained).
Molecular consequence: synonymous variant.
Genome position (GRCh38, 1-based): chr9:136,522,860, G>T on the plus strand (C>A on the coding strand, the complement: NOTCH1 is on the minus strand). VCF-style: chr9-136522860-G-T. GRCh37 (hg19) VCF-style: chr9-139417312-G-T.
Identifiers: ClinVar variation 3251170 (VCV003251170.18), dbSNP rs2540467923.